The following is an entry in ClinVar:

NM_001242957.3(MAK):c.506A>C (p.Glu169Ala)

Gene: MAK (male germ cell associated kinase; minus strand). Cytogenetic location: 6p24.2.
Variant type: single nucleotide variant.
Coding change: c.506A>C on transcript NM_001242957.3 (MANE Select); coding-DNA position 506, A replaced by C.
Protein change: p.Glu169Ala; replaces glutamic acid 169 with alanine.
Molecular consequence: missense variant. On other transcripts: non-coding transcript variant (2).
Genome position (GRCh38, 1-based): chr6:10,803,877, T>G on the plus strand (A>C on the coding strand, the complement: MAK is on the minus strand). VCF-style: chr6-10803877-T-G. GRCh37 (hg19) VCF-style: chr6-10804110-T-G.
Other names: c.506A>C, p.Glu169Ala (NM_001242385.2, NM_005906.6); c.404A>C, p.Glu135Ala (NM_001377262.1); short protein forms E169A, E135A.
Identifiers: ClinVar variation 1996551 (VCV001996551.4), dbSNP rs2532483311, ClinGen allele CA362720690.
Genomic context (GRCh38, chr6:10,803,877, plus strand): 5'-ATACTTCCAACAGCCCACACATCAATGGGAGAACTATAAACTGAAGATCTCAGTAAAACT[T>G]CAGGGGCACGATACCTATGAAAATAGAGAACAAAAGAGGTAATTTTGATTGCAATTTCAA-3'
Protein context (NP_001229886.1, residues 159-179): YVSTRWYRAP[Glu169Ala]VLLRSSVYSS

ClinVar aggregate classification (germline): Uncertain significance (1 of 4 stars; one submission).

Allele frequency attached by ClinVar (database versions not stated): gnomAD exomes below 0.00001.
gnomAD v4.1: 1 of 1,614,026 alleles (0.000062%); highest among the groups gnomAD compares: Non-Finnish European, 0.000085%; no homozygotes.

Submission:

Labcorp Genetics (formerly Invitae), Labcorp
Classification: Uncertain significance. Last evaluated: 2023-07-07. Review status: criteria provided, single submitter. Criteria: Invitae Variant Classification Sherloc (09022015). Collection method: clinical testing. Allele origin: germline.
Comment: This sequence change replaces glutamic acid, which is acidic and polar, with alanine, which is neutral and non-polar, at codon 169 of the MAK protein (p.Glu169Ala). This variant is not present in population databases (gnomAD no frequency). This variant has not been reported in the literature in individuals affected with MAK-related conditions. ClinVar contains an entry for this variant (Variation ID: 1996551). Advanced modeling of protein sequence and biophysical properties (such as structural, functional, and spatial information, amino acid conservation, physicochemical variation, residue mobility, and thermodynamic stability) performed at Invitae indicates that this missense variant is expected to disrupt MAK protein function. In summary, the available evidence is currently insufficient to determine the role of this variant in disease. Therefore, it has been classified as a Variant of Uncertain Significance.